The following is an entry in ClinVar:

ClinVar aggregate classification (germline): Uncertain significance (1 of 4 stars; one submission).

Conditions:
Hereditary nonpolyposis colorectal neoplasms. Identifiers: MedGen C0009405, MeSH D003123.

Submission:

Labcorp Genetics (formerly Invitae), Labcorp
Classification: Uncertain significance for Hereditary nonpolyposis colorectal neoplasms. Last evaluated: 2019-06-18. Review status: criteria provided, single submitter. Criteria: Invitae Variant Classification Sherloc (09022015). Collection method: clinical testing. Allele origin: germline.
Comment: In summary, the available evidence is currently insufficient to determine the role of this variant in disease. Therefore, it has been classified as a Variant of Uncertain Significance. Experimental studies and prediction algorithms are not available or were not evaluated for this variant, and the functional significance of the affected amino acid(s) is currently unknown. This variant has not been reported in the literature in individuals with PMS2-related conditions. This variant is not present in population databases (ExAC no frequency). This variant, c.1474_1476del, results in the deletion of 1 amino acid(s) of the PMS2 protein (p.Lys492del), but otherwise preserves the integrity of the reading frame.

NM_000535.7(PMS2):c.1474_1476del (p.Lys492del)

Gene: PMS2 (PMS1 homolog 2, mismatch repair system component; minus strand). Cytogenetic location: 7p22.1.
Variant type: Deletion.
Coding change: c.1474_1476del on transcript NM_000535.7 (MANE Select); coding-DNA positions 1474 to 1476, 3 bases deleted (AAG; older notation c.1474_1476delAAG).
Protein change: p.Lys492del; deletes lysine 492.
Molecular consequence: inframe deletion. On other transcripts: non-coding transcript variant (1).
Genome position (GRCh38, 1-based): chr7:5,987,289-5,987,291, CTT deleted on the plus strand (AAG on the coding strand, the reverse complement: PMS2 is on the minus strand); deleting any 3 consecutive bases within chr7:5,987,289-5,987,293 gives the same sequence; the c. name uses the placement nearest the transcript's 3' end. VCF-style (leftmost placement, unchanged base first): chr7-5987288-CCTT-C. GRCh37 (hg19) VCF-style: chr7-6026919-CCTT-C.
Other names: c.1069_1071del, p.Lys357del (NM_001322003.2, NM_001322004.2, NM_001322005.2 and 1 more transcripts); c.1318_1320del, p.Lys440del (NM_001322006.2); c.1156_1158del, p.Lys386del (NM_001322007.2, NM_001322008.2); c.913_915del, p.Lys305del (NM_001322010.2); c.541_543del, p.Lys181del (NM_001322011.2, NM_001322012.2); c.901_903del, p.Lys301del (NM_001322013.2); c.1474_1476del, p.Lys492del (NM_001322014.2); c.1165_1167del, p.Lys389del (NM_001322015.2); short protein forms K357del, K301del, K305del, K389del, K181del, K386del, K440del, K492del.
Identifiers: ClinVar variation 937031 (VCV000937031.9), dbSNP rs1783079655, ClinGen allele CA1139659556.